The following is an entry in ClinVar:

NM_000238.4(KCNH2):c.3404G>A (p.Arg1135His)

Gene: KCNH2 (potassium voltage-gated channel subfamily H member 2; minus strand). Cytogenetic location: 7q36.1.
Variant type: single nucleotide variant.
Coding change: c.3404G>A on transcript NM_000238.4 (MANE Select); coding-DNA position 3404, G replaced by A.
Protein change: p.Arg1135His; replaces arginine 1135 with histidine.
Molecular consequence: missense variant.
Genome position (GRCh38, 1-based): chr7:150,945,441, C>T on the plus strand (G>A on the coding strand, the complement: KCNH2 is on the minus strand). VCF-style: chr7-150945441-C-T. GRCh37 (hg19) VCF-style: chr7-150642529-C-T.
Other names: c.3404G>A (LRG_288t1); c.2384G>A, p.Arg795His (NM_172057.3); short protein forms R1135H, R795H.
Identifiers: ClinVar variation 67493 (VCV000067493.5), dbSNP rs199473547, ClinGen allele CA008277.

ClinVar aggregate classification (germline): Uncertain significance. Review status: criteria provided, multiple submitters, no conflicts (2 of 4 stars). 4 submissions from 4 submitters: Uncertain significance (3). 1 of the submissions does not count toward it. Last evaluated 2025-09-22.

Conditions:
Cardiac arrhythmia. Also called: Cardiac rhythm disease; Arrhythmia. Identifiers: MedGen C0003811, MONDO:0007263, HP:0011675.
Short QT syndrome. Also called: Familial short QT syndrome. Identifiers: Orphanet 51083, MedGen C2348199, MONDO:0000453.
Long QT syndrome (LQTS). Identifiers: MedGen C0023976, MeSH D008133, MONDO:0002442. Disease mechanism: loss of function. Inheritance: Various modes of inheritance.

Allele frequency attached by ClinVar (database versions not stated): gnomAD exomes below 0.00001; gnomAD 0.00001.
gnomAD v4.1: 5 of 1,568,264 alleles (0.00032%); highest among the groups gnomAD compares: African/African-American, 0.0014%; no homozygotes.

Submissions (4):

Color Diagnostics, LLC DBA Color Health
Classification: Uncertain significance for Cardiac arrhythmia. Last evaluated: 2025-09-22. Review status: criteria provided, single submitter. Criteria: ACMG Guidelines, 2015. Collection method: clinical testing. Allele origin: germline.
Comment: This missense variant replaces arginine with histidine at codon 1135 of the KCNH2 protein. Computational prediction suggests that this variant may have deleterious impact on protein structure and function. Electrophysiological functional studies suggest that the variant affects potassium channel activity (PMID: 18692916, 19174314). This variant has been reported in a family with shortened QT intervals (PMID: 18692916, 24400717). This variant has been identified in 2/31340 chromosomes in the general population by the Genome Aggregation Database (gnomAD). The available evidence is insufficient to determine the role of this variant in disease conclusively. Therefore, this variant is classified as a Variant of Uncertain Significance.

Labcorp Genetics (formerly Invitae), Labcorp
Classification: Uncertain significance for Long QT syndrome. Last evaluated: 2025-02-05. Review status: criteria provided, single submitter. Criteria: Invitae Variant Classification Sherloc (09022015). Collection method: clinical testing. Allele origin: germline.
Comment: This sequence change replaces arginine, which is basic and polar, with histidine, which is basic and polar, at codon 1135 of the KCNH2 protein (p.Arg1135His). This variant is present in population databases (rs199473547, gnomAD 0.01%). This missense change has been observed in individual(s) with clinical features of KCNH2-related conditions (PMID: 18692916, 37937776). ClinVar contains an entry for this variant (Variation ID: 67493). An algorithm developed to predict the effect of missense changes on protein structure and function (PolyPhen-2) suggests that this variant is likely to be tolerated. Experimental studies have shown that this missense change affects KCNH2 function (PMID: 18692916). In summary, the available evidence is currently insufficient to determine the role of this variant in disease. Therefore, it has been classified as a Variant of Uncertain Significance.

AiLife Diagnostics
Classification: Uncertain significance. Last evaluated: 2022-02-18. Review status: criteria provided, single submitter. Criteria: ACMG Guidelines, 2015. Collection method: clinical testing. Allele origin: germline. Affected: yes. Observed: 1 variant allele.

Cardiovascular Biomedical Research Unit, Royal Brompton & Harefield NHS Foundation Trust
No classification provided. Condition: Short QT syndrome. Review status: no classification provided. Collection method: literature only. Allele origin: germline. Not counted in ClinVar's aggregate classification.
Comment: This variant has been reported as associated with Short QT syndrome in the following publications (PMID:18692916;PMID:19174314). This is a literature report, and does not necessarily reflect the clinical interpretation of the Imperial College / Royal Brompton Cardiovascular Genetics laboratory.

Literature cited by the submitters: PubMed 18692916 (cited by 4 submitters); PubMed 19174314 (cited by 3 submitters); PubMed 24400717 (cited by Color Diagnostics, LLC DBA Color Health); PubMed 37937776 (cited by Labcorp Genetics (formerly Invitae), Labcorp); PubMed 22581653 (cited by Cardiovascular Biomedical Research Unit, Royal Brompton & Harefield NHS Foundation Trust).